The following is an entry in ClinVar:

ClinVar aggregate classification (germline): Uncertain significance. Review status: criteria provided, multiple submitters, no conflicts (2 of 4 stars). 6 submissions from 6 submitters: Uncertain significance (4). 2 of the submissions do not count toward it. Last evaluated 2025-10-29.

Conditions:
Cohen syndrome (COH1). Also called: PEPPER SYNDROME; Cutis verticis gyrata, retinitis pigmentosa, and sensorineural deafness. Identifiers: Orphanet 193, MedGen C0265223, MONDO:0008999, OMIM 216550.
VPS13B-related disorder. Also called: VPS13B-related condition.
Inborn genetic diseases. Identifiers: MedGen C0950123, MeSH D030342.

Allele frequency attached by ClinVar (database versions not stated): gnomAD exomes 0.00001; TOPMed 0.00002; gnomAD 0.00004 and 0.00007.
gnomAD v4.1: 48 of 1,614,016 alleles (0.003%); highest among the groups gnomAD compares: African/African-American, 0.036%; 2 homozygotes.

Submissions (6):

Labcorp Genetics (formerly Invitae), Labcorp
Classification: Uncertain significance for Cohen syndrome. Last evaluated: 2025-10-29. Review status: criteria provided, single submitter. Criteria: Invitae Variant Classification Sherloc (09022015). Collection method: clinical testing. Allele origin: germline.
Comment: This sequence change replaces aspartic acid, which is acidic and polar, with glycine, which is neutral and non-polar, at codon 186 of the VPS13B protein (p.Asp186Gly). This variant is present in population databases (rs373678127, gnomAD 0.008%). This variant has not been reported in the literature in individuals affected with VPS13B-related conditions. ClinVar contains an entry for this variant (Variation ID: 845690). Invitae Evidence Modeling of protein sequence and biophysical properties (such as structural, functional, and spatial information, amino acid conservation, physicochemical variation, residue mobility, and thermodynamic stability) has been performed for this missense variant. However, the output from this modeling did not meet the statistical confidence thresholds required to predict the impact of this variant on VPS13B protein function. In summary, the available evidence is currently insufficient to determine the role of this variant in disease. Therefore, it has been classified as a Variant of Uncertain Significance.

GeneDx
Classification: Uncertain significance. Last evaluated: 2022-11-10. Review status: criteria provided, single submitter. Criteria: GeneDx Variant Classification Process June 2021. Collection method: clinical testing. Allele origin: germline. Affected: yes.
Comment: In silico analysis supports that this missense variant has a deleterious effect on protein structure/function; Has not been previously published as pathogenic or benign to our knowledge

Revvity Omics, Revvity
Classification: Uncertain significance for Cohen syndrome. Last evaluated: 2022-05-12. Review status: criteria provided, single submitter. Criteria: ACMG Guidelines, 2015. Collection method: clinical testing. Allele origin: germline.

Ambry Genetics
Classification: Uncertain significance for Inborn genetic diseases. Last evaluated: 2018-10-24. Review status: criteria provided, single submitter. Criteria: Ambry Variant Classification Scheme 2023. Collection method: clinical testing. Allele origin: germline.
Comment: The p.D186G variant (also known as c.557A>G), located in coding exon 4 of the VPS13B gene, results from an A to G substitution at nucleotide position 557. The aspartic acid at codon 186 is replaced by glycine, an amino acid with some similar properties. This amino acid position is well conserved in available vertebrate species. In addition, the in silico prediction for this alteration is inconclusive. Since supporting evidence is limited at this time, the clinical significance of this alteration remains unclear.

PreventionGenetics, part of Exact Sciences
Classification: Uncertain significance for VPS13B-related condition. Last evaluated: 2024-05-14. Review status: no assertion criteria provided. Collection method: clinical testing. Allele origin: germline. Not counted in ClinVar's aggregate classification.
Comment: The VPS13B c.557A>G variant is predicted to result in the amino acid substitution p.Asp186Gly. To our knowledge, this variant has not been reported in the literature. This variant is reported in 0.0080% of alleles in individuals of African descent in gnomAD. At this time, the clinical significance of this variant is uncertain due to the absence of conclusive functional and genetic evidence.

Natera, Inc.
Classification: Uncertain significance for Cohen syndrome. Last evaluated: 2021-04-30. Review status: no assertion criteria provided. Collection method: clinical testing. Allele origin: germline. Not counted in ClinVar's aggregate classification.

NM_152564.5(VPS13B):c.557A>G (p.Asp186Gly)

Gene: VPS13B (vacuolar protein sorting 13 homolog B; plus strand). Cytogenetic location: 8q22.2.
Variant type: single nucleotide variant.
Coding change: c.557A>G on transcript NM_152564.5 (MANE Select); coding-DNA position 557, A replaced by G.
Protein change: p.Asp186Gly; replaces aspartic acid 186 with glycine.
Molecular consequence: missense variant. On other transcripts: non-coding transcript variant (1).
Genome position (GRCh38, 1-based): chr8:99,103,097, A>G. VCF-style: chr8-99103097-A-G. GRCh37 (hg19) VCF-style: chr8-100115325-A-G.
Other names: c.557A>G (NM_152564.4, NM_017890.3); c.557A>G, p.Asp186Gly (NM_015243.3, NM_017890.5, NM_181661.3); short protein forms D186G.
Identifiers: ClinVar variation 845690 (VCV000845690.14), dbSNP rs373678127, ClinGen allele CA182882118.